The following is an entry in ClinVar:

NM_005461.5(MAFB):c.340T>C (p.Ser114Pro)

Gene: MAFB (MAF bZIP transcription factor B; minus strand). Cytogenetic location: 20q12.
Variant type: single nucleotide variant.
Coding change: c.340T>C on transcript NM_005461.5 (MANE Select); coding-DNA position 340, T replaced by C.
Protein change: p.Ser114Pro; replaces serine 114 with proline.
Molecular consequence: missense variant.
Genome position (GRCh38, 1-based): chr20:40,688,511, A>G on the plus strand (T>C on the coding strand, the complement: MAFB is on the minus strand). VCF-style: chr20-40688511-A-G. GRCh37 (hg19) VCF-style: chr20-39317151-A-G.
Other names: c.340T>C (NM_005461.4, NM_005461.3); short protein forms S114P.
Identifiers: ClinVar variation 2909734 (VCV002909734.6), dbSNP rs150718854, ClinGen allele CA9857814.
Genomic context (GRCh38, chr20:40,688,511, plus strand): 5'-GGTGGTGGTGAGCGCCGCGAAAGCTGTCGAAGCTTTGCAGCGGCTGTGGCACTGGGTGCG[A>G]GCCGATGAGCGCTTCCACCGCGTCCTCGGGCGTCAGGTTGAGCGCCTCGGGGTTCATCTG-3'
Protein context (NP_005452.2, residues 104-124): PEDAVEALIG[Ser114Pro]HPVPQPLQSF

ClinVar aggregate classification (germline): Conflicting classifications of pathogenicity. Review status: criteria provided, conflicting classifications (1 of 4 stars). 4 submissions from 4 submitters: Uncertain significance (2); Likely benign (2). Last evaluated 2025-08-21.

Conditions:
MAFB-related disorder. Also called: MAFB-related condition.
Multicentric carpo-tarsal osteolysis with or without nephropathy. Also called: Multicentric Osteolysis of Carpal Bones and Nephropathy; OSTEOLYSIS, HEREDITARY, OF CARPAL BONES WITH OR WITHOUT NEPHROPATHY; Multicentric Carpotarsal Osteolysis with or without Nephropathy; Carnevale Canun Mendoza syndrome; MULTICENTRIC OSTEOLYSIS, AUTOSOMAL DOMINANT; MULTICENTRIC CARPOTARSAL OSTEOLYSIS SYNDROME. Identifiers: Orphanet 2774, MedGen C2674705, MONDO:0008152, OMIM 166300.
Duane retraction syndrome 3 with or without deafness (DURS3). Also called: Duane syndrome type 3; DUANE RETRACTION SYNDROME 3. Identifiers: Orphanet 233, MedGen C4310752, MONDO:0014880, OMIM 617041.
Inborn genetic diseases. Identifiers: MedGen C0950123, MeSH D030342.

Allele frequency attached by ClinVar (database versions not stated): ExAC 0.00001; gnomAD exomes 0.00001; TOPMed 0.00002; gnomAD 0.00004; ESP Exome Variant Server 0.00008.

Submissions (4):

Ambry Genetics
Classification: Likely benign for Inborn genetic diseases. Last evaluated: 2025-08-21. Review status: criteria provided, single submitter. Criteria: Ambry Variant Classification Scheme 2023. Collection method: clinical testing. Allele origin: germline.

PreventionGenetics, part of Exact Sciences
Classification: Uncertain significance for MAFB-related condition. Last evaluated: 2025-07-11. Review status: criteria provided, single submitter. Criteria: ACMG Guidelines, 2015. Collection method: clinical testing. Allele origin: germline.
Comment: The MAFB c.340T>C variant is predicted to result in the amino acid substitution p.Ser114Pro. To our knowledge, this variant has not been reported in the literature. This variant is reported in 0.0040% of alleles in individuals of African descent in gnomAD. At this time, the clinical significance of this variant is uncertain due to the absence of conclusive functional and genetic evidence.

Fulgent Genetics
Classification: Likely benign for Multicentric carpo-tarsal osteolysis with or without nephropathy; Duane retraction syndrome 3 with or without deafness. Last evaluated: 2024-05-13. Review status: criteria provided, single submitter. Criteria: ACMG Guidelines, 2015. Collection method: clinical testing. Allele origin: germline.

Labcorp Genetics (formerly Invitae), Labcorp
Classification: Uncertain significance. Last evaluated: 2023-05-28. Review status: criteria provided, single submitter. Criteria: Invitae Variant Classification Sherloc (09022015). Collection method: clinical testing. Allele origin: germline.
Comment: This sequence change replaces serine, which is neutral and polar, with proline, which is neutral and non-polar, at codon 114 of the MAFB protein (p.Ser114Pro). This variant is present in population databases (rs150718854, gnomAD 0.004%). This variant has not been reported in the literature in individuals affected with MAFB-related conditions. Advanced modeling of protein sequence and biophysical properties (such as structural, functional, and spatial information, amino acid conservation, physicochemical variation, residue mobility, and thermodynamic stability) performed at Invitae indicates that this missense variant is not expected to disrupt MAFB protein function. In summary, the available evidence is currently insufficient to determine the role of this variant in disease. Therefore, it has been classified as a Variant of Uncertain Significance.